The following is an entry in ClinVar:

NM_000317.3(PTS):c.1A>G (p.Met1Val)

Genes: PTS (6-pyruvoyltetrahydropterin synthase; plus strand), LOC130006765 (ATAC-STARR-seq lymphoblastoid silent region 3906; plus strand). Cytogenetic location: 11q23.1.
Variant type: single nucleotide variant.
Coding change: c.1A>G on transcript NM_000317.3 (MANE Select); coding-DNA position 1, A replaced by G.
Protein change: p.Met1Val; changes the start codon (methionine 1).
Molecular consequence: missense variant, initiator codon variant.
Genome position (GRCh38, 1-based): chr11:112,226,444, A>G. VCF-style: chr11-112226444-A-G. GRCh37 (hg19) VCF-style: chr11-112097167-A-G.
Other names: short protein forms M1V.
Identifiers: ClinVar variation 1067348 (VCV001067348.11), dbSNP rs2135407146, ClinGen allele CA382626290.

ClinVar aggregate classification (germline): Pathogenic (1 of 4 stars; one submission).

Conditions:
6-Pyruvoyl-tetrahydrobiopterin synthase deficiency. Also called: HYPERPHENYLALANINEMIA, TETRAHYDROBIOPTERIN-DEFICIENT, DUE TO PTS DEFICIENCY; BH4-deficient hyperphenylalaninemia A; PTS-Related Tetrahydrobiopterin Deficiency; PTS DEFICIENCY; 6-Pyruvoyltetrahydropterin Synthase Deficiency; Hyperphenylalanemia, BH4-deficient, A. Identifiers: Orphanet 13, Orphanet 238583, MedGen C0878676, MONDO:0009863, OMIM 261640.

Submission:

Labcorp Genetics (formerly Invitae), Labcorp
Classification: Pathogenic for 6-Pyruvoyl-tetrahydrobiopterin synthase deficiency. Last evaluated: 2023-09-20. Review status: criteria provided, single submitter. Criteria: Invitae Variant Classification Sherloc (09022015). Collection method: clinical testing. Allele origin: germline.
Comment: This sequence change affects the initiator methionine of the PTS mRNA. The next in-frame methionine is located at codon 69. This variant is not present in population databases (gnomAD no frequency). Disruption of the initiator codon has been observed in individual(s) with tetrahydrobiopterin-deficient hyperphenylalaninemia (PMID: 22237589, 29499199, 30926181). ClinVar contains an entry for this variant (Variation ID: 1067348). Algorithms developed to predict the effect of sequence changes on RNA splicing suggest that this variant may create or strengthen a splice site. This variant disrupts a region of the PTS protein in which other variant(s) (p.Thr67Met) have been determined to be pathogenic (PMID: 11438997, 11694255, 16850690, 22237589). This suggests that this is a clinically significant region of the protein, and that variants that disrupt it are likely to be disease-causing. For these reasons, this variant has been classified as Pathogenic.

Literature cited by the submitters: PubMed 22237589; PubMed 29499199; PubMed 30926181; PubMed 11438997; PubMed 11694255; PubMed 16850690.